The following is an entry in ClinVar:

ClinVar aggregate classification (germline): Uncertain significance. Review status: criteria provided, multiple submitters, no conflicts (2 of 4 stars). 3 submissions from 2 submitters: Uncertain significance (3). Last evaluated 2024-07-03.

Conditions:
Dilated cardiomyopathy 1O (CMD1O). Also called: CARDIOMYOPATHY, DILATED, WITH VENTRICULAR TACHYCARDIA. Identifiers: Orphanet 154, MedGen C1837839, MONDO:0012062, OMIM 608569.
Hypertrichotic osteochondrodysplasia Cantu type. Also called: Cantu Syndrome; Cantú Syndrome. Identifiers: Orphanet 1517, MedGen C0795905, MONDO:0009406, OMIM 239850.

gnomAD v4.1: 3 of 1,613,366 alleles (0.00019%); highest among the groups gnomAD compares: South Asian, 0.0022%; no homozygotes.

Submissions (3):

Labcorp Genetics (formerly Invitae), Labcorp
Classification: Uncertain significance for Dilated cardiomyopathy 1O. Last evaluated: 2024-07-03. Review status: criteria provided, single submitter. Criteria: Invitae Variant Classification Sherloc (09022015). Collection method: clinical testing. Allele origin: germline.
Comment: This sequence change replaces tryptophan, which is neutral and slightly polar, with serine, which is neutral and polar, at codon 49 of the ABCC9 protein (p.Trp49Ser). This variant is present in population databases (no rsID available, gnomAD 0.007%). This variant has not been reported in the literature in individuals affected with ABCC9-related conditions. ClinVar contains an entry for this variant (Variation ID: 308048). Advanced modeling of protein sequence and biophysical properties (such as structural, functional, and spatial information, amino acid conservation, physicochemical variation, residue mobility, and thermodynamic stability) performed at Invitae indicates that this missense variant is expected to disrupt ABCC9 protein function with a positive predictive value of 95%. In summary, the available evidence is currently insufficient to determine the role of this variant in disease. Therefore, it has been classified as a Variant of Uncertain Significance.

Illumina Laboratory Services, Illumina
Classification: Uncertain significance for Hypertrichotic osteochondrodysplasia Cantu type. Last evaluated: 2018-01-13. Review status: criteria provided, single submitter. Criteria: ICSL Variant Classification Criteria 13 December 2019. Collection method: clinical testing. Allele origin: germline.

Illumina Laboratory Services, Illumina
Classification: Uncertain significance for Dilated cardiomyopathy 1O. Last evaluated: 2018-01-13. Review status: criteria provided, single submitter. Criteria: ICSL Variant Classification Criteria 13 December 2019. Collection method: clinical testing. Allele origin: germline.

NM_020297.4(ABCC9):c.146G>C (p.Trp49Ser)

Gene: ABCC9 (ATP binding cassette subfamily C member 9; minus strand). Cytogenetic location: 12p12.1.
Variant type: single nucleotide variant.
Coding change: c.146G>C on transcript NM_020297.4 (MANE Select); coding-DNA position 146, G replaced by C.
Protein change: p.Trp49Ser; replaces tryptophan 49 with serine.
Molecular consequence: missense variant. On other transcripts: 5 prime UTR variant (1).
Genome position (GRCh38, 1-based): chr12:21,933,920, C>G on the plus strand (G>C on the coding strand, the complement: ABCC9 is on the minus strand). VCF-style: chr12-21933920-C-G. GRCh37 (hg19) VCF-style: chr12-22086854-C-G.
Other names: c.146G>C, p.Trp49Ser (NM_001377273.1, NM_005691.4); c.-309G>C (NM_001377274.1); short protein forms W49S.
Identifiers: ClinVar variation 308048 (VCV000308048.7), dbSNP rs886049175, ClinGen allele CA10640705.